The following is an entry in ClinVar:

NM_001148.6(ANK2):c.5860G>T (p.Ala1954Ser)

Genes: ANK2 (ankyrin 2; plus strand), LOC126807136 (MED14-independent group 3 enhancer GRCh37_chr4:114274931-114276130; plus strand). Cytogenetic location: 4q26.
Variant type: single nucleotide variant.
Coding change: c.5860G>T on transcript NM_001148.6 (MANE Select); coding-DNA position 5860, G replaced by T.
Protein change: p.Ala1954Ser; replaces alanine 1954 with serine.
Molecular consequence: missense variant. On other transcripts: intron variant (68).
Genome position (GRCh38, 1-based): chr4:113,354,478, G>T. VCF-style: chr4-113354478-G-T. GRCh37 (hg19) VCF-style: chr4-114275634-G-T.
Other names: c.5626G>T, p.Ala1876Ser (NM_001386142.1); c.2260G>T, p.Ala754Ser (NM_001386166.1); c.6001G>T, p.Ala2001Ser (NM_001386174.1); c.5977G>T, p.Ala1993Ser (NM_001386175.1); c.4411+4229G>T (NM_001386186.2, NM_001386148.2); c.4213+4229G>T (NM_001354269.3); c.4291+4229G>T (NM_001386187.2); c.4252+4229G>T (NM_001386147.1); and 35 more; short protein forms A1954S, A1876S, A1993S, A2001S, A754S.
Identifiers: ClinVar variation 347326 (VCV000347326.15), dbSNP rs371556220, ClinGen allele CA3051322.

ClinVar aggregate classification (germline): Conflicting classifications of pathogenicity. Review status: criteria provided, conflicting classifications (1 of 4 stars). 5 submissions from 5 submitters: Uncertain significance (3); Likely benign (2). Last evaluated 2024-04-12.

Conditions:
Cardiovascular phenotype. Identifiers: MedGen CN230736.
Long QT syndrome (LQTS). Identifiers: MedGen C0023976, MeSH D008133, MONDO:0002442. Disease mechanism: loss of function. Inheritance: Various modes of inheritance.
Cardiac arrhythmia, ankyrin-B-related. Also called: ANKYRIN-B SYNDROME. Identifiers: Orphanet 101016, Orphanet 768, MedGen C1970119, MONDO:0010958, OMIM 600919.

Allele frequency attached by ClinVar (database versions not stated): gnomAD 0.00001; TOPMed 0.00001; ESP Exome Variant Server 0.00008.
gnomAD v4.1: 11 of 1,613,878 alleles (0.00068%); highest among the groups gnomAD compares: Non-Finnish European, 0.00093%; no homozygotes.

Submissions (5):

Ambry Genetics
Classification: Likely benign for Cardiovascular phenotype. Last evaluated: 2024-04-12. Review status: criteria provided, single submitter. Criteria: Ambry Variant Classification Scheme 2023. Collection method: clinical testing. Allele origin: germline.

Blueprint Genetics
Classification: Likely benign. Last evaluated: 2022-07-07. Review status: criteria provided, single submitter. Criteria: ACMG Guidelines, 2015. Collection method: clinical testing. Allele origin: germline.

Fulgent Genetics
Classification: Uncertain significance for Cardiac arrhythmia, ankyrin-B-related. Last evaluated: 2021-08-10. Review status: criteria provided, single submitter. Criteria: ACMG Guidelines, 2015. Collection method: clinical testing. Allele origin: unknown.

Labcorp Genetics (formerly Invitae), Labcorp
Classification: Uncertain significance for Long QT syndrome. Last evaluated: 2020-05-20. Review status: criteria provided, single submitter. Criteria: Invitae Variant Classification Sherloc (09022015). Collection method: clinical testing. Allele origin: germline.
Comment: In summary, the available evidence is currently insufficient to determine the role of this variant in disease. Therefore, it has been classified as a Variant of Uncertain Significance. Algorithms developed to predict the effect of missense changes on protein structure and function output the following: SIFT: "Tolerated"; PolyPhen-2: "Benign"; Align-GVGD: "Class C0". The serine amino acid residue is found in multiple mammalian species, suggesting that this missense change does not adversely affect protein function. These predictions have not been confirmed by published functional studies and their clinical significance is uncertain. This variant has not been reported in the literature in individuals with ANK2-related conditions. ClinVar contains an entry for this variant (Variation ID: 347326). This variant is present in population databases (rs371556220, ExAC 0.002%). This sequence change replaces alanine with serine at codon 1954 of the ANK2 protein (p.Ala1954Ser). The alanine residue is weakly conserved and there is a moderate physicochemical difference between alanine and serine.

Illumina Laboratory Services, Illumina
Classification: Uncertain significance for Cardiac arrhythmia, ankyrin-B-related. Last evaluated: 2018-01-13. Review status: criteria provided, single submitter. Criteria: ICSL Variant Classification Criteria 13 December 2019. Collection method: clinical testing. Allele origin: germline.